The following is an entry in ClinVar:

NM_138927.4(SON):c.6321+557C>T

Gene: SON (SON DNA and RNA binding protein; plus strand). Cytogenetic location: 21q22.11.
Variant type: single nucleotide variant.
Coding change: c.6321+557C>T on transcript NM_138927.4 (MANE Select); 557 bases into the intron after coding-DNA position 6321, C replaced by T.
Molecular consequence: intron variant. On other transcripts: 3 prime UTR variant (1).
Genome position (GRCh38, 1-based): chr21:33,557,873, C>T. VCF-style: chr21-33557873-C-T. GRCh37 (hg19) VCF-style: chr21-34930179-C-T.
Other names: c.*322C>T (NM_001291411.2); c.405+557C>T (NM_001291412.3); c.6321+557C>T (NM_032195.3).
Identifiers: ClinVar variation 5040430 (VCV005040430.1).

ClinVar aggregate classification (germline): Benign (1 of 4 stars; one submission).

gnomAD v4.1: 1,682 of 374,736 alleles (0.45%); highest among the groups gnomAD compares: Admixed American, 0.61%; 7 homozygotes.

Submission:

CeGaT Center for Human Genetics Tuebingen
Classification: Benign. Last evaluated: 2026-08-01. Review status: criteria provided, single submitter. Criteria: CeGaT Center For Human Genetics Tuebingen Variant Classification Criteria Version 2. Collection method: clinical testing. Allele origin: germline. Affected: yes. Observed: 1 variant allele.
Comment: SON: PP3, BS1, BS2